The following is an entry in ClinVar:

ClinVar aggregate classification (germline): Uncertain significance (1 of 4 stars; one submission).

Conditions:
MOGS-congenital disorder of glycosylation. Also called: CDG 2B; MOGS-CDG; CDG IIb; GLUCOSIDASE I DEFICIENCY. Identifiers: Orphanet 79330, MedGen C1853736, MONDO:0011629, OMIM 606056.

Submission:

Labcorp Genetics (formerly Invitae), Labcorp
Classification: Uncertain significance for MOGS-congenital disorder of glycosylation. Last evaluated: 2025-02-21. Review status: criteria provided, single submitter. Criteria: Invitae Variant Classification Sherloc (09022015). Collection method: clinical testing. Allele origin: germline.
Comment: This sequence change replaces alanine, which is neutral and non-polar, with serine, which is neutral and polar, at codon 292 of the MOGS protein (p.Ala292Ser). This variant is present in population databases (rs763544524, gnomAD 0.01%). This variant has not been reported in the literature in individuals affected with MOGS-related conditions. ClinVar contains an entry for this variant (Variation ID: 2846562). An algorithm developed to predict the effect of missense changes on protein structure and function (PolyPhen-2) suggests that this variant is likely to be tolerated. In summary, the available evidence is currently insufficient to determine the role of this variant in disease. Therefore, it has been classified as a Variant of Uncertain Significance.

NM_006302.3(MOGS):c.874G>T (p.Ala292Ser)

Gene: MOGS (mannosyl-oligosaccharide glucosidase; minus strand). Cytogenetic location: 2p13.1.
Variant type: single nucleotide variant.
Coding change: c.874G>T on transcript NM_006302.3 (MANE Select); coding-DNA position 874, G replaced by T.
Protein change: p.Ala292Ser; replaces alanine 292 with serine.
Molecular consequence: missense variant.
Genome position (GRCh38, 1-based): chr2:74,462,915, C>A on the plus strand (G>T on the coding strand, the complement: MOGS is on the minus strand). VCF-style: chr2-74462915-C-A. GRCh37 (hg19) VCF-style: chr2-74690042-C-A.
Other names: c.556G>T, p.Ala186Ser (NM_001146158.2); short protein forms A292S, A186S.
Identifiers: ClinVar variation 2846562 (VCV002846562.3), dbSNP rs763544524, ClinGen allele CA1724903.